The following is an entry in ClinVar:

ClinVar aggregate classification (germline): Conflicting classifications of pathogenicity. Review status: criteria provided, conflicting classifications (1 of 4 stars). 7 submissions from 3 submitters: Uncertain significance (4); Benign (2); Likely benign (1). Last evaluated 2021-08-26.

Conditions:
Tibial muscular dystrophy (TMD). Also called: Udd Distal Myopathy – Tibial Muscular Dystrophy; UDD MYOPATHY; Tibial muscular dystrophy, tardive. Identifiers: Orphanet 609, MedGen C1838244, MONDO:0010870, OMIM 600334.
Dilated cardiomyopathy 1G (CMD1G). Identifiers: Orphanet 154, MedGen C1858763, MONDO:0011400, OMIM 604145.
Early-onset myopathy with fatal cardiomyopathy (CMYO5). Also called: CONGENITAL MYOPATHY 5 WITH CARDIOMYOPATHY; Salih Myopathy. Identifiers: Orphanet 289377, MedGen C2673677, MONDO:0012714, OMIM 611705. Disease mechanism: loss of function.
Myopathy, myofibrillar, 9, with early respiratory failure (MFM9). Also called: Myopathy, distal, with early respiratory failure, autosomal dominant; Hereditary myopathy with early respiratory failure; EDSTROM MYOPATHY; MYOPATHY, PROXIMAL, WITH EARLY RESPIRATORY MUSCLE INVOLVEMENT. Identifiers: Orphanet 178464, Orphanet 34521, MedGen C1863599, MONDO:0011362, OMIM 603689.
Autosomal recessive limb-girdle muscular dystrophy type 2J (LGMDR10). Also called: MUSCULAR DYSTROPHY, LIMB-GIRDLE, AUTOSOMAL RECESSIVE 10; Limb-girdle muscular dystrophy, type 2J. Identifiers: Orphanet 140922, MedGen C1837342, MONDO:0012127, OMIM 608807.

Allele frequency attached by ClinVar (database versions not stated): TOPMed 0.00002.
gnomAD v4.1: 69 of 1,613,852 alleles (0.0043%); highest among the groups gnomAD compares: East Asian, 0.062%; no homozygotes.

Submissions (7):

Revvity Omics, Revvity
Classification: Uncertain significance. Last evaluated: 2021-08-26. Review status: criteria provided, single submitter. Criteria: ACMG Guidelines, 2015. Collection method: clinical testing. Allele origin: germline.

Illumina Laboratory Services, Illumina
Classification: Uncertain significance for Autosomal recessive limb-girdle muscular dystrophy type 2J. Last evaluated: 2018-01-12. Review status: criteria provided, single submitter. Criteria: ICSL Variant Classification Criteria 13 December 2019. Collection method: clinical testing. Allele origin: germline.

Illumina Laboratory Services, Illumina
Classification: Benign for Myopathy, myofibrillar, 9, with early respiratory failure. Last evaluated: 2018-01-12. Review status: criteria provided, single submitter. Criteria: ICSL Variant Classification Criteria 13 December 2019. Collection method: clinical testing. Allele origin: germline.
Comment: This variant was observed in the ICSL laboratory as part of a predisposition screen in an ostensibly healthy population. It had not been previously curated by ICSL or reported in the Human Gene Mutation Database (HGMD: prior to June 1st, 2018), and was therefore a candidate for classification through an automated scoring system. Utilizing variant allele frequency, disease prevalence and penetrance estimates, and inheritance mode, an automated score was calculated to assess if this variant is too frequent to cause the disease. Based on the score and internal cut-off values, a variant classified as benign is not then subjected to further curation. The score for this variant resulted in a classification of benign for this disease.

Illumina Laboratory Services, Illumina
Classification: Uncertain significance for Dilated cardiomyopathy 1G. Last evaluated: 2018-01-12. Review status: criteria provided, single submitter. Criteria: ICSL Variant Classification Criteria 13 December 2019. Collection method: clinical testing. Allele origin: germline.

Illumina Laboratory Services, Illumina
Classification: Uncertain significance for Early-onset myopathy with fatal cardiomyopathy. Last evaluated: 2018-01-12. Review status: criteria provided, single submitter. Criteria: ICSL Variant Classification Criteria 13 December 2019. Collection method: clinical testing. Allele origin: germline.

Illumina Laboratory Services, Illumina
Classification: Benign for Tibial muscular dystrophy. Last evaluated: 2018-01-12. Review status: criteria provided, single submitter. Criteria: ICSL Variant Classification Criteria 13 December 2019. Collection method: clinical testing. Allele origin: germline.
Comment: the same text as in the submission from Illumina Laboratory Services, Illumina above.

GeneDx
Classification: Likely benign. Last evaluated: 2017-08-25. Review status: criteria provided, single submitter. Criteria: GeneDx Variant Classification (06012015). Collection method: clinical testing. Allele origin: germline. Affected: yes.
Comment: This variant is considered likely benign or benign based on one or more of the following criteria: it is a conservative change, it occurs at a poorly conserved position in the protein, it is predicted to be benign by multiple in silico algorithms, and/or has population frequency not consistent with disease.

NM_001267550.2(TTN):c.105406C>T (p.Arg35136Trp)

Genes: TTN (titin; minus strand), TTN-AS1 (TTN antisense RNA 1; plus strand). Cytogenetic location: 2q31.2.
Variant type: single nucleotide variant.
Coding change: c.105406C>T on transcript NM_001267550.2 (MANE Select); coding-DNA position 105406, C replaced by T.
Protein change: p.Arg35136Trp; replaces arginine 35136 with tryptophan.
Molecular consequence: missense variant.
Genome position (GRCh38, 1-based): chr2:178,531,209, G>A on the plus strand (C>T on the coding strand, the complement: TTN is on the minus strand). VCF-style: chr2-178531209-G-A. GRCh37 (hg19) VCF-style: chr2-179395936-G-A.
Other names: c.100483C>T, p.Arg33495Trp (NM_001256850.1); c.78211C>T, p.Arg26071Trp (NM_003319.4); c.97702C>T, p.Arg32568Trp (NM_133378.4); c.78586C>T, p.Arg26196Trp (NM_133432.3); c.78787C>T, p.Arg26263Trp (NM_133437.4); short protein forms R32568W, R35136W, R33495W, R26071W, R26263W, R26196W.
Identifiers: ClinVar variation 332686 (VCV000332686.7), dbSNP rs372875128, ClinGen allele CA1985267.